The following is an entry in ClinVar:

NM_001378615.1(CC2D2A):c.2182-24C>T

Genes: CC2D2A (coiled-coil and C2 domain containing 2A; plus strand), FBXL5 (F-box and leucine rich repeat protein 5; minus strand). Cytogenetic location: 4p15.32.
Variant type: single nucleotide variant.
Coding change: c.2182-24C>T on transcript NM_001378615.1 (MANE Select); 24 bases into the intron before coding-DNA position 2182, C replaced by T.
Molecular consequence: intron variant.
Genome position (GRCh38, 1-based): chr4:15,550,800, C>T. VCF-style: chr4-15550800-C-T. GRCh37 (hg19) VCF-style: chr4-15552423-C-T.
Other names: p.?; c.2182-24C>T (NM_001080522.2); c.2035-24C>T (NM_001378617.1).
Identifiers: ClinVar variation 126232 (VCV000126232.15), dbSNP rs2041673, ClinGen allele CA150859.
Genomic context (GRCh38, chr4:15,550,800, plus strand): 5'-ATACTAACAACATGGACTGATTATCTGAGCGTGAGCACACACTACTGCTGTTTTTATTGG[C>T]TATTTCTCTTCTCTGGTTTTCAGGTCTATGAAACTGTCGGACACAGTAGTCCCACCTTGC-3'

ClinVar aggregate classification (germline): Benign. Review status: criteria provided, multiple submitters, no conflicts (2 of 4 stars). 7 submissions from 6 submitters: Benign (6). 1 of the submissions does not count toward it. Last evaluated 2022-04-29.

Conditions:
Meckel syndrome, type 6. Identifiers: Orphanet 564, MedGen C2676790, MONDO:0012848, OMIM 612284.
Joubert syndrome 9 (JBTS9). Identifiers: Orphanet 2318, MedGen C2676788, MONDO:0012849, OMIM 612285.

Allele frequency attached by ClinVar (database versions not stated): 1000 Genomes Project 30x 0.11134; 1000 Genomes Project 0.11142; gnomAD exomes 0.12740; TOPMed 0.12807; gnomAD 0.13533 and 0.13698; ESP Exome Variant Server 0.13898; ExAC 0.13926.
gnomAD v4.1: 212,577 of 1,521,954 alleles (14%); highest among the groups gnomAD compares: Non-Finnish European, 15%; 15,768 homozygotes.

Submissions (7):

Mayo Clinic Laboratories, Mayo Clinic
Classification: Benign. Last evaluated: 2022-04-29. Review status: criteria provided, single submitter. Criteria: ACMG Guidelines, 2015. Collection method: clinical testing. Allele origin: germline. Observed: 116 variant alleles.

Genome-Nilou Lab
Classification: Benign for Joubert syndrome 9. Last evaluated: 2021-07-14. Review status: criteria provided, single submitter. Criteria: ACMG Guidelines, 2015. Collection method: clinical testing. Allele origin: germline. Affected: no.

Genome-Nilou Lab
Classification: Benign for Meckel syndrome, type 6. Last evaluated: 2021-07-14. Review status: criteria provided, single submitter. Criteria: ACMG Guidelines, 2015. Collection method: clinical testing. Allele origin: germline. Affected: no.

GeneDx
Classification: Benign. Last evaluated: 2018-06-26. Review status: criteria provided, single submitter. Criteria: GeneDx Variant Classification Process June 2021. Collection method: clinical testing. Allele origin: germline. Affected: yes.

Breakthrough Genomics
Classification: Benign. Review status: criteria provided, single submitter. Criteria: ACMG Guidelines, 2015. Collection method: not provided. Allele origin: germline. Inheritance: Autosomal recessive inheritance. Affected: yes.

PreventionGenetics, part of Exact Sciences
Classification: Benign. Review status: criteria provided, single submitter. Criteria: ACMG Guidelines, 2015. Collection method: clinical testing. Allele origin: germline.

Genetic Services Laboratory, University of Chicago
Classification: Likely benign for AllHighlyPenetrant. Review status: no assertion criteria provided. Collection method: clinical testing. Allele origin: germline. Inheritance: Autosomal recessive inheritance. Observed: 65 variant alleles. Not counted in ClinVar's aggregate classification.
Comment: Likely benign based on allele frequency in 1000 Genomes Project or ESP global frequency and its presence in a patient with a rare or unrelated disease phenotype. NOT Sanger confirmed.